The following is an entry in ClinVar:

ClinVar aggregate classification (germline): Uncertain significance. Review status: criteria provided, multiple submitters, no conflicts (2 of 4 stars). 2 submissions from 2 submitters: Uncertain significance (2). Last evaluated 2023-12-29.

Allele frequency attached by ClinVar (database versions not stated): gnomAD 0.00002 and 0.00003; ExAC 0.00004.

Submissions (2):

Blueprint Genetics
Classification: Uncertain significance. Last evaluated: 2023-12-29. Review status: criteria provided, single submitter. Criteria: ACMG Guidelines, 2015. Collection method: clinical testing. Allele origin: germline.

Labcorp Genetics (formerly Invitae), Labcorp
Classification: Uncertain significance. Last evaluated: 2021-08-26. Review status: criteria provided, single submitter. Criteria: Invitae Variant Classification Sherloc (09022015). Collection method: clinical testing. Allele origin: germline.
Comment: This sequence change replaces aspartic acid with asparagine at codon 129 of the CNGB3 protein (p.Asp129Asn). The aspartic acid residue is moderately conserved and there is a small physicochemical difference between aspartic acid and asparagine. This variant is present in population databases (rs753353080, ExAC 0.03%). This variant has not been reported in the literature in individuals affected with CNGB3-related conditions. Algorithms developed to predict the effect of missense changes on protein structure and function are either unavailable or do not agree on the potential impact of this missense change (SIFT: "Deleterious"; PolyPhen-2: "Benign"; Align-GVGD: "Class C0"). In summary, the available evidence is currently insufficient to determine the role of this variant in disease. Therefore, it has been classified as a Variant of Uncertain Significance.

NM_019098.5(CNGB3):c.385G>A (p.Asp129Asn)

Gene: CNGB3 (cyclic nucleotide gated channel subunit beta 3; minus strand). Cytogenetic location: 8q21.3.
Variant type: single nucleotide variant.
Coding change: c.385G>A on transcript NM_019098.5 (MANE Select); coding-DNA position 385, G replaced by A.
Protein change: p.Asp129Asn; replaces aspartic acid 129 with asparagine.
Molecular consequence: missense variant.
Genome position (GRCh38, 1-based): chr8:86,671,052, C>T on the plus strand (G>A on the coding strand, the complement: CNGB3 is on the minus strand). VCF-style: chr8-86671052-C-T. GRCh37 (hg19) VCF-style: chr8-87683280-C-T.
Other names: short protein forms D129N.
Identifiers: ClinVar variation 1441498 (VCV001441498.6), dbSNP rs753353080, ClinGen allele CA4800410.